The following is an entry in ClinVar:

NM_014215.3(INSRR):c.3024A>C (p.Thr1008=)

Genes: INSRR (insulin receptor related receptor; minus strand), NTRK1 (neurotrophic receptor tyrosine kinase 1; plus strand). Cytogenetic location: 1q23.1.
Variant type: single nucleotide variant.
Coding change: c.3024A>C on transcript NM_014215.3 (MANE Select); coding-DNA position 3024, A replaced by C.
Protein change: p.Thr1008=; no amino-acid change (threonine 1008 retained).
Molecular consequence: synonymous variant. On other transcripts: intron variant (1).
Genome position (GRCh38, 1-based): chr1:156,843,106, T>G on the plus strand (A>C on the coding strand, the complement: INSRR is on the minus strand). VCF-style: chr1-156843106-T-G. GRCh37 (hg19) VCF-style: chr1-156812898-T-G.
Other names: c.122+913T>G (NM_001007792.1).
Identifiers: ClinVar variation 4085822 (VCV004085822.8).

ClinVar aggregate classification (germline): Likely benign (1 of 4 stars; one submission).

Submission:

CeGaT Center for Human Genetics Tuebingen
Classification: Likely benign. Last evaluated: 2025-08-01. Review status: criteria provided, single submitter. Criteria: CeGaT Center For Human Genetics Tuebingen Variant Classification Criteria Version 2. Collection method: clinical testing. Allele origin: germline. Affected: yes. Observed: 1 variant allele.
Comment: INSRR: PM2:Supporting, BP4, BP7